The following is an entry in ClinVar:

ClinVar aggregate classification (germline): Uncertain significance (1 of 4 stars; one submission).

gnomAD v4.1: 8 of 1,613,868 alleles (0.0005%); highest among the groups gnomAD compares: Non-Finnish European, 0.00068%; no homozygotes.

Submission:

GeneDx
Classification: Uncertain significance. Last evaluated: 2024-10-27. Review status: criteria provided, single submitter. Criteria: GeneDx Variant Classification Process June 2021. Collection method: clinical testing. Allele origin: germline. Affected: yes.
Comment: Not observed at significant frequency in large population cohorts (gnomAD); In silico analysis indicates that this missense variant does not alter protein structure/function; Has not been previously published as pathogenic or benign to our knowledge

NM_005121.3(MED13):c.6310G>A (p.Val2104Met)

Gene: MED13 (mediator complex subunit 13; minus strand). Cytogenetic location: 17q23.2.
Variant type: single nucleotide variant.
Coding change: c.6310G>A on transcript NM_005121.3 (MANE Select); coding-DNA position 6310, G replaced by A.
Protein change: p.Val2104Met; replaces valine 2104 with methionine.
Molecular consequence: missense variant.
Genome position (GRCh38, 1-based): chr17:61,946,999, C>T on the plus strand (G>A on the coding strand, the complement: MED13 is on the minus strand). VCF-style: chr17-61946999-C-T. GRCh37 (hg19) VCF-style: chr17-60024360-C-T.
Other names: short protein forms V2104M.
Identifiers: ClinVar variation 3893624 (VCV003893624.1).